The following is an entry in ClinVar:

NM_024854.5(PYROXD1):c.548C>T (p.Thr183Ile)

Gene: PYROXD1 (pyridine nucleotide-disulphide oxidoreductase domain 1; plus strand). Cytogenetic location: 12p12.1.
Variant type: single nucleotide variant.
Coding change: c.548C>T on transcript NM_024854.5 (MANE Select); coding-DNA position 548, C replaced by T.
Protein change: p.Thr183Ile; replaces threonine 183 with isoleucine.
Molecular consequence: missense variant. On other transcripts: 5 prime UTR variant (1).
Genome position (GRCh38, 1-based): chr12:21,455,191, C>T. VCF-style: chr12-21455191-C-T. GRCh37 (hg19) VCF-style: chr12-21608125-C-T.
Other names: c.335C>T, p.Thr112Ile (NM_001350912.2); c.-230C>T (NM_001350913.2); short protein forms T183I, T112I.
Identifiers: ClinVar variation 1388883 (VCV001388883.6), dbSNP rs1465430304, ClinGen allele CA384107972.

ClinVar aggregate classification (germline): Uncertain significance (1 of 4 stars; one submission).

Allele frequency attached by ClinVar (database versions not stated): gnomAD exomes below 0.00001 and 0.00002; gnomAD 0.00001; TOPMed 0.00002.

Submission:

Labcorp Genetics (formerly Invitae), Labcorp
Classification: Uncertain significance. Last evaluated: 2022-02-21. Review status: criteria provided, single submitter. Criteria: Invitae Variant Classification Sherloc (09022015). Collection method: clinical testing. Allele origin: germline.
Comment: This variant has not been reported in the literature in individuals affected with PYROXD1-related conditions. This variant is present in population databases (no rsID available, gnomAD 0.0009%). This sequence change replaces threonine, which is neutral and polar, with isoleucine, which is neutral and non-polar, at codon 183 of the PYROXD1 protein (p.Thr183Ile). Algorithms developed to predict the effect of missense changes on protein structure and function are either unavailable or do not agree on the potential impact of this missense change (SIFT: "Deleterious"; PolyPhen-2: "Possibly Damaging"; Align-GVGD: "Class C0"). In summary, the available evidence is currently insufficient to determine the role of this variant in disease. Therefore, it has been classified as a Variant of Uncertain Significance.